The following is an entry in ClinVar:

ClinVar aggregate classification (germline): Uncertain significance (1 of 4 stars; one submission).

Conditions:
Polyglandular autoimmune syndrome, type 1 (APS1). Also called: Autoimmune polyendocrinopathy syndrome, type I; HYPOADRENOCORTICISM WITH HYPOPARATHYROIDISM AND SUPERFICIAL MONILIASIS; PGA I; Autoimmune polyendocrine syndrome type 1; Autoimmune polyendocrinopathy syndrome , type I, with or without reversible metaphyseal dysplasia; AUTOIMMUNE POLYENDOCRINE SYNDROME, TYPE I, WITH OR WITHOUT REVERSIBLE METAPHYSEAL DYSPLASIA. Identifiers: Orphanet 3453, MedGen C0085859, MONDO:0009411, OMIM 240300.

gnomAD v4.1: 10 of 1,612,826 alleles (0.00062%); highest among the groups gnomAD compares: Non-Finnish European, 0.00085%; no homozygotes.

Submission:

Labcorp Genetics (formerly Invitae), Labcorp
Classification: Uncertain significance for Polyglandular autoimmune syndrome, type 1. Last evaluated: 2024-09-03. Review status: criteria provided, single submitter. Criteria: Invitae Variant Classification Sherloc (09022015). Collection method: clinical testing. Allele origin: germline.
Comment: This sequence change replaces leucine, which is neutral and non-polar, with isoleucine, which is neutral and non-polar, at codon 128 of the AIRE protein (p.Leu128Ile). This variant is present in population databases (no rsID available, gnomAD 0.0009%). This variant has not been reported in the literature in individuals affected with AIRE-related conditions. Invitae Evidence Modeling of protein sequence and biophysical properties (such as structural, functional, and spatial information, amino acid conservation, physicochemical variation, residue mobility, and thermodynamic stability) has been performed for this missense variant. However, the output from this modeling did not meet the statistical confidence thresholds required to predict the impact of this variant on AIRE protein function. In summary, the available evidence is currently insufficient to determine the role of this variant in disease. Therefore, it has been classified as a Variant of Uncertain Significance.

NM_000383.4(AIRE):c.382C>A (p.Leu128Ile)

Gene: AIRE (autoimmune regulator; plus strand). Cytogenetic location: 21q22.3.
Variant type: single nucleotide variant.
Coding change: c.382C>A on transcript NM_000383.4 (MANE Select); coding-DNA position 382, C replaced by A.
Protein change: p.Leu128Ile; replaces leucine 128 with isoleucine.
Molecular consequence: missense variant.
Genome position (GRCh38, 1-based): chr21:44,287,052, C>A. VCF-style: chr21-44287052-C-A. GRCh37 (hg19) VCF-style: chr21-45706935-C-A.
Other names: short protein forms L128I.
Identifiers: ClinVar variation 3680643 (VCV003680643.2).